The following is an entry in ClinVar:

NM_058216.3(RAD51C):c.704_705+21del

Genes: RAD51C (RAD51 paralog C; plus strand), LOC129390903 (MPRA-validated peak2919 silencer; plus strand). Cytogenetic location: 17q22.
Variant type: Deletion.
Coding change: c.704_705+21del on transcript NM_058216.3 (MANE Select); coding-DNA position 704 through 21 bases into the intron after coding-DNA position 705, 23 bases deleted (AGGTATGAGTCAGACTACTGAAA).
Molecular consequence: splice donor variant.
Genome position (GRCh38, 1-based): chr17:58,703,328-58,703,350, AGGTATGAGTCAGACTACTGAAA deleted; deleting any 23 consecutive bases within chr17:58,703,326-58,703,350 gives the same sequence; the c. name uses the placement nearest the transcript's 3' end. VCF-style (leftmost placement, unchanged base first): chr17-58703325-CAAAGGTATGAGTCAGACTACTGA-C. GRCh37 (hg19) VCF-style: chr17-56780686-CAAAGGTATGAGTCAGACTACTGA-C.
Identifiers: ClinVar variation 3148622 (VCV003148622.1), dbSNP rs2509300604, ClinGen allele CA2825002569.

ClinVar aggregate classification (germline): Likely pathogenic (1 of 4 stars; one submission).

Conditions:
Breast-ovarian cancer, familial, susceptibility to, 3. Also called: RAD51C-Related Breast/Ovarian Cancer. Identifiers: Orphanet 145, MedGen C3150659, MONDO:0013253, OMIM 613399.

Submission:

Myriad Genetics, Inc.
Classification: Likely pathogenic for Breast-ovarian cancer, familial, susceptibility to, 3. Last evaluated: 2024-01-03. Review status: criteria provided, single submitter. Criteria: Myriad Autosomal Dominant, Autosomal Recessive and X-Linked Classification Criteria (2023). Collection method: clinical testing. Allele origin: unknown.
Comment: This variant is considered likely pathogenic. This variant occurs within a consensus splice junction and is predicted to result in abnormal mRNA splicing of either an out-of-frame exon or an in-frame exon necessary for protein stability and/or normal function.